The following is an entry in ClinVar:

NM_003054.6(SLC18A2):c.1249G>A (p.Val417Ile)

Gene: SLC18A2 (solute carrier family 18 member A2; plus strand). Cytogenetic location: 10q25.3.
Variant type: single nucleotide variant.
Coding change: c.1249G>A on transcript NM_003054.6 (MANE Select); coding-DNA position 1249, G replaced by A.
Protein change: p.Val417Ile; replaces valine 417 with isoleucine.
Molecular consequence: missense variant.
Genome position (GRCh38, 1-based): chr10:117,270,133, G>A. VCF-style: chr10-117270133-G-A. GRCh37 (hg19) VCF-style: chr10-119029644-G-A.
Other names: short protein forms V417I.
Identifiers: ClinVar variation 4723444 (VCV004723444.1).

ClinVar aggregate classification (germline): Uncertain significance (1 of 4 stars; one submission).

gnomAD v4.1: 246 of 1,614,240 alleles (0.015%); highest among the groups gnomAD compares: East Asian, 0.02%; no homozygotes.

Submission:

Labcorp Genetics (formerly Invitae), Labcorp
Classification: Uncertain significance. Last evaluated: 2025-10-01. Review status: criteria provided, single submitter. Criteria: Invitae Variant Classification Sherloc (09022015). Collection method: clinical testing. Allele origin: germline.
Comment: This sequence change replaces valine, which is neutral and non-polar, with isoleucine, which is neutral and non-polar, at codon 417 of the SLC18A2 protein (p.Val417Ile). This variant is present in population databases (rs569635578, gnomAD 0.03%). This variant has not been reported in the literature in individuals affected with SLC18A2-related conditions. An algorithm developed to predict the effect of missense changes on protein structure and function (PolyPhen-2) suggests that this variant is likely to be disruptive. In summary, the available evidence is currently insufficient to determine the role of this variant in disease. Therefore, it has been classified as a Variant of Uncertain Significance.